The following is an entry in ClinVar:

ClinVar aggregate classification (germline): Uncertain significance. Review status: criteria provided, multiple submitters, no conflicts (2 of 4 stars). 3 submissions from 3 submitters: Uncertain significance (3). Last evaluated 2021-11-07.

Conditions:
Microcephaly, normal intelligence and immunodeficiency (NBS). Also called: BERLIN BREAKAGE SYNDROME; SEEMANOVA SYNDROME II; Immunodeficiency, microcephaly with normal intelligence; Nijmegen breakage syndrome; Microcephaly with normal intelligence immunodeficiency and lymphoreticular malignancies; Nonsyndromal microcephaly autosomal recessive with normal intelligence. Identifiers: Orphanet 647, MedGen C0398791, MONDO:0009623, OMIM 251260.

Submissions (3):

Genome-Nilou Lab
Classification: Uncertain significance for Microcephaly, normal intelligence and immunodeficiency. Last evaluated: 2021-11-07. Review status: criteria provided, single submitter. Criteria: ACMG Guidelines, 2015. Collection method: clinical testing. Allele origin: germline. Affected: no.

Labcorp Genetics (formerly Invitae), Labcorp
Classification: Uncertain significance for Microcephaly, normal intelligence and immunodeficiency. Last evaluated: 2020-03-04. Review status: criteria provided, single submitter. Criteria: Invitae Variant Classification Sherloc (09022015). Collection method: clinical testing. Allele origin: germline.
Comment: In summary, the available evidence is currently insufficient to determine the role of this variant in disease. Therefore, it has been classified as a Variant of Uncertain Significance. Algorithms developed to predict the effect of missense changes on protein structure and function are either unavailable or do not agree on the potential impact of this missense change (SIFT: "Deleterious"; PolyPhen-2: "Probably Damaging"; Align-GVGD: "Class C0"). This variant has not been reported in the literature in individuals with NBN-related conditions. ClinVar contains an entry for this variant (Variation ID: 422916). This variant is not present in population databases (ExAC no frequency). This sequence change replaces phenylalanine with serine at codon 177 of the NBN protein (p.Phe177Ser). The phenylalanine residue is highly conserved and there is a large physicochemical difference between phenylalanine and serine.

GeneDx
Classification: Uncertain significance. Last evaluated: 2016-12-21. Review status: criteria provided, single submitter. Criteria: GeneDx Variant Classification (06012015). Collection method: clinical testing. Allele origin: germline. Affected: yes.
Comment: This variant is denoted NBN c.530T>C at the cDNA level, p.Phe177Ser (F177S) at the protein level, and results in the change of a Phenylalanine to a Serine (TTT>TCT). This variant has not, to our knowledge, been published in the literature as pathogenic or benign. NBN Phe177Ser was not observed in approximately 6,500 individuals of European and African American ancestry in the NHLBI Exome Sequencing Project, suggesting it is not a common benign variant in these populations. Since Phenylalanine and Serine differ in polarity, charge, size or other properties, this is considered a non-conservative amino acid substitution. NBN Phe177Ser occurs at a position that is conserved across species and is located in within the BRCT domain as well as the region that mediates interaction with SP100 (UniProt). In silico analyses predict that this variant is probably damaging to protein structure and function. Based on currently available evidence, it is unclear whether NBN Phe177Ser is a pathogenic or benign variant. We consider it to be a variant of uncertain significance.

NM_002485.5(NBN):c.530T>C (p.Phe177Ser)

Gene: NBN (nibrin; minus strand). Cytogenetic location: 8q21.3.
Variant type: single nucleotide variant.
Coding change: c.530T>C on transcript NM_002485.5 (MANE Select); coding-DNA position 530, T replaced by C.
Protein change: p.Phe177Ser; replaces phenylalanine 177 with serine.
Molecular consequence: missense variant.
Genome position (GRCh38, 1-based): chr8:89,978,274, A>G on the plus strand (T>C on the coding strand, the complement: NBN is on the minus strand). VCF-style: chr8-89978274-A-G. GRCh37 (hg19) VCF-style: chr8-90990502-A-G.
Other names: c.284T>C, p.Phe95Ser (NM_001024688.3); short protein forms F177S, F95S.
Identifiers: ClinVar variation 422916 (VCV000422916.12), dbSNP rs1064796090, ClinGen allele CA16618707.
Genomic context (GRCh38, chr8:89,978,274, plus strand): 5'-ATATACCTTTCAATTTGTGGAGGCTGCTTCTTGGACTCAACTGCTTTCAGGAATTCAGTA[A>G]AATATTCTGGCTTTACAATTGGACGTCCACAAATGAGTGCACATATTGTCTACAATGAAG-3'
Protein context (NP_002476.2, residues 167-187): CGRPIVKPEY[Phe177Ser]TEFLKAVESK